The following is an entry in ClinVar:

ClinVar aggregate classification (germline): Likely benign. Review status: criteria provided, multiple submitters, no conflicts (2 of 4 stars). 3 submissions from 3 submitters: Likely benign (3). Last evaluated 2026-01-19.

Conditions:
Early-onset Parkinson disease 20. Also called: PARKINSON DISEASE 20, AUTOSOMAL RECESSIVE EARLY-ONSET. Identifiers: Orphanet 391411, MedGen C3809824, MONDO:0014233, OMIM 615530.
Developmental and epileptic encephalopathy, 53. Also called: Epileptic encephalopathy, early infantile, 53. Identifiers: MedGen C4479313, MONDO:0033362, OMIM 617389.

Allele frequency attached by ClinVar (database versions not stated): gnomAD exomes below 0.00001 and 0.00002; ExAC 0.00004; gnomAD 0.00005; ESP Exome Variant Server 0.00008; TOPMed 0.00008.
gnomAD v4.1: 14 of 1,614,050 alleles (0.00087%); highest among the groups gnomAD compares: African/African-American, 0.011%; no homozygotes.

Submissions (3):

Labcorp Genetics (formerly Invitae), Labcorp
Classification: Likely benign for Developmental and epileptic encephalopathy, 53; Early-onset Parkinson disease 20. Last evaluated: 2026-01-19. Review status: criteria provided, single submitter. Criteria: Invitae Variant Classification Sherloc (09022015). Collection method: clinical testing. Allele origin: germline.

Athena Diagnostics
Classification: Likely benign. Last evaluated: 2024-12-09. Review status: criteria provided, single submitter. Criteria: Athena Diagnostics Criteria. Collection method: clinical testing. Allele origin: unknown.
Comment: Computational tools yielded predictions that this variant is unlikely to have an effect on normal RNA splicing. This nucleotide position exhibits low evolutionary conservation.

Blueprint Genetics
Classification: Likely benign. Last evaluated: 2020-03-30. Review status: criteria provided, single submitter. Criteria: ACMG Guidelines, 2015. Collection method: clinical testing. Allele origin: germline.

NM_203446.3(SYNJ1):c.*618A>G

Gene: SYNJ1 (synaptojanin 1; minus strand). Cytogenetic location: 21q22.11.
Variant type: single nucleotide variant.
Coding change: c.*618A>G on transcript NM_203446.3 (MANE Select); 618 bases downstream of the stop codon, A replaced by G.
Molecular consequence: 3 prime UTR variant. On other transcripts: synonymous variant (2).
Genome position (GRCh38, 1-based): chr21:32,631,187, T>C on the plus strand (A>G on the coding strand, the complement: SYNJ1 is on the minus strand). VCF-style: chr21-32631187-T-C. GRCh37 (hg19) VCF-style: chr21-34003497-T-C.
Other names: c.*618A>G (NM_001160302.2); c.4389A>G, p.Ser1463= (NM_001160306.2); c.4647A>G, p.Ser1549= (NM_003895.4).
Identifiers: ClinVar variation 767326 (VCV000767326.13), dbSNP rs139212871, ClinGen allele CA10003075.